The following is an entry in ClinVar:

NM_020779.4(WDR35):c.721_727del (p.His241fs)

Gene: WDR35 (WD repeat domain 35; minus strand). Cytogenetic location: 2p24.1.
Variant type: Deletion.
Coding change: c.721_727del on transcript NM_020779.4 (MANE Select); coding-DNA positions 721 to 727, 7 bases deleted (CATGAGA; older notation c.721_727delCATGAGA).
Protein change: p.His241fs; shifts the reading frame from histidine 241.
Molecular consequence: frameshift variant.
Genome position (GRCh38, 1-based): chr2:19,974,477-19,974,483, TCTCATG deleted on the plus strand (CATGAGA on the coding strand, the reverse complement: WDR35 is on the minus strand); deleting any 7 consecutive bases within chr2:19,974,477-19,974,489 gives the same sequence; the c. name uses the placement nearest the transcript's 3' end. VCF-style (leftmost placement, unchanged base first): chr2-19974476-TTCTCATG-T. GRCh37 (hg19) VCF-style: chr2-20174237-TTCTCATG-T.
Other names: c.721_727del, p.His241fs (NM_001006657.2); short protein forms H241fs.
Identifiers: ClinVar variation 4783901 (VCV004783901.1).

ClinVar aggregate classification (germline): Pathogenic (1 of 4 stars; one submission).

Conditions:
Short-rib thoracic dysplasia 7 with or without polydactyly (SRTD7). Also called: Short rib polydactyly syndrome 5; SHORT-RIB THORACIC DYSPLASIA 7 WITH POLYDACTYLY. Identifiers: Orphanet 498497, Orphanet 93271, MedGen C3279792, MONDO:0013569, OMIM 614091.
Cranioectodermal dysplasia 2 (CED2). Identifiers: Orphanet 1515, MedGen C3150874, MONDO:0013323, OMIM 613610.

Submission:

Labcorp Genetics (formerly Invitae), Labcorp
Classification: Pathogenic for Cranioectodermal dysplasia 2; Short-rib thoracic dysplasia 7 with or without polydactyly. Last evaluated: 2025-12-16. Review status: criteria provided, single submitter. Criteria: Invitae Variant Classification Sherloc (09022015). Collection method: clinical testing. Allele origin: germline.
Comment: This sequence change creates a premature translational stop signal (p.His241Metfs*7) in the WDR35 gene. It is expected to result in an absent or disrupted protein product. Loss-of-function variants in WDR35 are known to be pathogenic (PMID: 22486404, 29068549). This variant is present in population databases (no rsID available, gnomAD 0.004%). This variant has not been reported in the literature in individuals affected with WDR35-related conditions. For these reasons, this variant has been classified as Pathogenic.

Literature cited by the submitters: PubMed 22486404; PubMed 29068549.